The following is an entry in ClinVar:

ClinVar aggregate classification (germline): Conflicting classifications of pathogenicity. Review status: criteria provided, conflicting classifications (1 of 4 stars). 5 submissions from 5 submitters: Pathogenic (1); Likely pathogenic (1); Uncertain significance (2). 1 of the submissions does not count toward it. Last evaluated 2025-09-16.

Conditions:
Cardiovascular phenotype. Identifiers: MedGen CN230736.
Familial long QT syndrome (RWS). Also called: Congenital long QT syndrome; Romano-Ward syndrome; VENTRICULAR FIBRILLATION WITH PROLONGED QT INTERVAL. Identifiers: Orphanet 768, MedGen C1141890, MONDO:0019171.
Long QT syndrome (LQTS). Identifiers: MedGen C0023976, MeSH D008133, MONDO:0002442. Disease mechanism: loss of function. Inheritance: Various modes of inheritance.

Allele frequency attached by ClinVar (database versions not stated): gnomAD exomes below 0.00001.
gnomAD v4.1: 1 of 1,614,110 alleles (0.000062%); highest among the groups gnomAD compares: Non-Finnish European, 0.000085%; no homozygotes.

Submissions (5):

Ambry Genetics
Classification: Likely pathogenic for Cardiovascular phenotype. Last evaluated: 2025-09-16. Review status: criteria provided, single submitter. Criteria: Ambry Variant Classification Scheme 2023. Collection method: clinical testing. Allele origin: germline.
Comment: The p.L134P variant (also known as c.401T>C), located in coding exon 2 of the KCNQ1 gene, results from a T to C substitution at nucleotide position 401. The leucine at codon 134 is replaced by proline, an amino acid with similar properties. This variant was reported in individual(s) with features consistent with long QT syndrome (LQTS) (Kapplinger JD et al. Heart Rhythm, 2009 Sep;6:1297-303; Ambry internal data). An in vitro functional study suggested this alteration could impact protein function, but it is not clear if the finding represents actual physiological conditions (Vanoye CG et al. Circ Genom Precis Med, 2018 11;11:e002345). Based on internal structural analysis, this variant is more disruptive than known pathogenic variants (Berman HM et al. Acta Crystallogr D Biol Crystallogr, 2002 Jun;58:899-907). This amino acid position is well conserved in available vertebrate species. In addition, this alteration is predicted to be deleterious by in silico analysis. This variant is considered to be rare based on population cohorts in the Genome Aggregation Database (gnomAD). Based on the majority of available evidence to date, this variant is likely to be pathogenic.

Labcorp Genetics (formerly Invitae), Labcorp
Classification: Uncertain significance for Long QT syndrome. Last evaluated: 2024-06-25. Review status: criteria provided, single submitter. Criteria: Invitae Variant Classification Sherloc (09022015). Collection method: clinical testing. Allele origin: germline.
Comment: This sequence change replaces leucine, which is neutral and non-polar, with proline, which is neutral and non-polar, at codon 134 of the KCNQ1 protein (p.Leu134Pro). This variant is not present in population databases (gnomAD no frequency). This missense change has been observed in individual(s) with clinical features of KCNQ1-related conditions (PMID: 19716085). ClinVar contains an entry for this variant (Variation ID: 67070). Advanced modeling of protein sequence and biophysical properties (such as structural, functional, and spatial information, amino acid conservation, physicochemical variation, residue mobility, and thermodynamic stability) performed at Invitae indicates that this missense variant is expected to disrupt KCNQ1 protein function with a positive predictive value of 95%. Experimental studies have shown that this missense change affects KCNQ1 function (PMID: 29532034, 30571187). In summary, the available evidence is currently insufficient to determine the role of this variant in disease. Therefore, it has been classified as a Variant of Uncertain Significance.

All of Us Research Program, National Institutes of Health
Classification: Uncertain significance for Long QT syndrome. Last evaluated: 2023-08-15. Review status: criteria provided, single submitter. Criteria: ACMG Guidelines, 2015. Collection method: clinical testing. Allele origin: germline. Inheritance: Autosomal dominant inheritance. Observed: 1 variant allele, 1 heterozygote.
Comment: This study involves interpretation of variants in research participants for the purpose of population health screening. Participant phenotype was not available at the time of variant classification. Additional details can be found in publication PMID: 35346344, PMCID: PMC8962531

GeneDx
Classification: Pathogenic. Last evaluated: 2011-12-12. Review status: criteria provided, single submitter. Criteria: GeneDx Variant Classification (06012015). Collection method: clinical testing. Allele origin: germline. Affected: yes.
Comment: This missense change is denoted Leu134Pro (aka L134P) at the protein level and c.401 T>C at the cDNA level. The Leu134Pro mutation in the KCNQ1 gene has been previously published in a single individual referred for LQTS testing and was absent from more than 2600 control alleles (Kapplinger et al., 2009). Leu134Pro results in a non-conservative amino acid substitution of a non-polar Leucine with a non-polar, sterically-constrained Proline at a residue that is located in the highly conserved transmembrane domain of the protein. In silico analysis predicts Leu134Pro is probably damaging to protein structure/function (Adzhubei IA et al., 2010, Schwarz JM et al., 2010). Nearby mutations (Ile132Leu, Val133Ile, Cys136Phe, Leu137Phe) have been reported in association with LQTS further supporting the functional importance of this region of the protein. In addition, Leu134Pro in the KCNQ1 gene was not present in 200 control alleles from individuals of African American ancestry tested at GeneDx indicating it is likely not a common, benign variant in this population. The variant is found in LQT panel(s).

Cardiovascular Biomedical Research Unit, Royal Brompton & Harefield NHS Foundation Trust
No classification provided. Condition: Familial long QT syndrome. Review status: no classification provided. Collection method: literature only. Allele origin: germline. Not counted in ClinVar's aggregate classification.
Comment: This variant has been reported as associated with Long QT syndrome in the following publications (PMID:19716085). This is a literature report, and does not necessarily reflect the clinical interpretation of the Imperial College / Royal Brompton Cardiovascular Genetics laboratory.

Literature cited by the submitters: PubMed 12037327 (cited by Ambry Genetics); PubMed 19716085 (cited by 3 submitters); PubMed 25192979 (cited by Ambry Genetics); PubMed 29532034 (cited by Ambry Genetics and Labcorp Genetics (formerly Invitae), Labcorp); PubMed 30571187 (cited by Ambry Genetics and Labcorp Genetics (formerly Invitae), Labcorp); PubMed 22581653 (cited by Cardiovascular Biomedical Research Unit, Royal Brompton & Harefield NHS Foundation Trust).

NM_000218.3(KCNQ1):c.401T>C (p.Leu134Pro)

Gene: KCNQ1 (potassium voltage-gated channel subfamily Q member 1; plus strand). Cytogenetic location: 11p15.5.
Variant type: single nucleotide variant.
Coding change: c.401T>C on transcript NM_000218.3 (MANE Select); coding-DNA position 401, T replaced by C.
Protein change: p.Leu134Pro; replaces leucine 134 with proline.
Molecular consequence: missense variant.
Genome position (GRCh38, 1-based): chr11:2,527,942, T>C. VCF-style: chr11-2527942-T-C. GRCh37 (hg19) VCF-style: chr11-2549172-T-C.
Other names: p.L134P:CTG>CCG; c.401T>C (LRG_287t1); c.401T>C, p.Leu134Pro (NM_001406836.1, NM_001406838.1); c.131T>C, p.Leu44Pro (NM_001406837.1); c.20T>C, p.Leu7Pro (NM_181798.2); short protein forms L134P, L7P, L44P.
Identifiers: ClinVar variation 67070 (VCV000067070.13), dbSNP rs199472685, ClinGen allele CA006992.